The following is an entry in ClinVar:

NM_015205.3(ATP11A):c.344A>G (p.Asp115Gly)

Gene: ATP11A (ATPase phospholipid transporting 11A; plus strand). Cytogenetic location: 13q34.
Variant type: single nucleotide variant.
Coding change: c.344A>G on transcript NM_015205.3 (MANE Select); coding-DNA position 344, A replaced by G.
Protein change: p.Asp115Gly; replaces aspartic acid 115 with glycine.
Molecular consequence: missense variant.
Genome position (GRCh38, 1-based): chr13:112,810,629, A>G. VCF-style: chr13-112810629-A-G. GRCh37 (hg19) VCF-style: chr13-113464943-A-G.
Other names: c.344A>G, p.Asp115Gly (NM_001405661.1, NM_001405662.1, NM_001405663.1 and 1 more transcripts); short protein forms D115G.
Identifiers: ClinVar variation 4998638 (VCV004998638.1).

ClinVar aggregate classification (germline): Uncertain significance (1 of 4 stars; one submission).

Conditions:
ATP11A-related disorder. Also called: ATP11A-related condition.

Submission:

PreventionGenetics, part of Exact Sciences
Classification: Uncertain significance for ATP11A-related condition. Last evaluated: 2025-06-22. Review status: criteria provided, single submitter. Criteria: ACMG Guidelines, 2015. Collection method: clinical testing. Allele origin: germline.
Comment: The ATP11A c.344A>G variant is predicted to result in the amino acid substitution p.Asp115Gly. To our knowledge, this variant has not been reported in the literature or in a large population database (gnomAD), indicating this variant is rare. At this time, the clinical significance of this variant is uncertain due to the absence of conclusive functional and genetic evidence.